The following is an entry in ClinVar:

ClinVar aggregate classification (germline): Uncertain significance (1 of 4 stars; one submission).

Submission:

GeneDx
Classification: Uncertain significance. Last evaluated: 2026-04-11. Review status: criteria provided, single submitter. Criteria: GeneDx Variant Classification Process June 2021. Collection method: clinical testing. Allele origin: germline.
Comment: Not observed at significant frequency in large population cohorts (gnomAD); In silico analysis supports that this missense variant has a deleterious effect on protein structure/function; Has not been previously published as pathogenic or benign to our knowledge

NM_002202.3(ISL1):c.159C>A (p.Asp53Glu)

Gene: ISL1 (ISL LIM homeobox 1; plus strand). Cytogenetic location: 5q11.1.
Variant type: single nucleotide variant.
Coding change: c.159C>A on transcript NM_002202.3 (MANE Select); coding-DNA position 159, C replaced by A.
Protein change: p.Asp53Glu; replaces aspartic acid 53 with glutamic acid.
Molecular consequence: missense variant.
Genome position (GRCh38, 1-based): chr5:51,384,671, C>A. VCF-style: chr5-51384671-C-A. GRCh37 (hg19) VCF-style: chr5-50680505-C-A.
Other names: short protein forms D53E.
Identifiers: ClinVar variation 5037003 (VCV005037003.1).